The following is an entry in ClinVar:

ClinVar aggregate classification (germline): Uncertain significance (1 of 4 stars; one submission).

Conditions:
Glycogen storage disease, type I. Identifiers: Orphanet 364, MedGen C0017920, MONDO:0002413.

Submission:

Myriad Genetics, Inc.
Classification: Uncertain significance for Glycogen storage disease, type I. Last evaluated: 2026-06-15. Review status: criteria provided, single submitter. Criteria: Myriad Autosomal Dominant, Autosomal Recessive and X-Linked Classification Criteria (2023). Collection method: clinical testing. Allele origin: unknown.
Comment: NM_001164277.1(SLC37A4):c.338C>T(A113V) is a missense variant classified as a variant of uncertain significance in the context of glycogen storage disease type Ib. A113V has not been observed in cases with relevant disease. Relevant functional assessments of this variant are not available in the literature. A113V has not been observed in referenced population frequency databases. In summary, there is insufficient evidence to classify NM_001164277.1(SLC37A4):c.338C>T(A113V) as pathogenic or benign. Please note: this variant was assessed in the context of healthy population screening.

NM_001164277.2(SLC37A4):c.338C>T (p.Ala113Val)

Gene: SLC37A4 (solute carrier family 37 member 4; minus strand). Cytogenetic location: 11q23.3.
Variant type: single nucleotide variant.
Coding change: c.338C>T on transcript NM_001164277.2 (MANE Select); coding-DNA position 338, C replaced by T.
Protein change: p.Ala113Val; replaces alanine 113 with valine.
Molecular consequence: missense variant.
Genome position (GRCh38, 1-based): chr11:119,028,237, G>A on the plus strand (C>T on the coding strand, the complement: SLC37A4 is on the minus strand). VCF-style: chr11-119028237-G-A. GRCh37 (hg19) VCF-style: chr11-118898947-G-A.
Other names: c.338C>T, p.Ala113Val (NM_001164278.2, NM_001164280.2, NM_001467.6); c.119C>T, p.Ala40Val (NM_001164279.2); short protein forms A40V, A113V.
Identifiers: ClinVar variation 5004918 (VCV005004918.1).